The following is an entry in ClinVar:

NC_000011.9:g.(?_9864152)_(9871785_?)del

Gene: SBF2 (SET binding factor 2; minus strand). Cytogenetic location: 11p15.4.
Variant type: Deletion.
Identifiers: ClinVar variation 1459048 (VCV001459048.5).

ClinVar aggregate classification (germline): Pathogenic (1 of 4 stars; one submission).

Conditions:
Charcot-Marie-Tooth disease type 4. Also called: Charcot-Marie-Tooth disease, type IV; Charcot-Marie-Tooth, Type 4. Identifiers: Orphanet 64749, MedGen C4082197, MONDO:0018995.

Submission:

Labcorp Genetics (formerly Invitae), Labcorp
Classification: Pathogenic for Charcot-Marie-Tooth disease type 4. Last evaluated: 2023-12-02. Review status: criteria provided, single submitter. Criteria: Invitae Variant Classification Sherloc (09022015). Collection method: clinical testing. Allele origin: germline.
Comment: This variant is a gross deletion of the genomic region encompassing exon(s) 22-25 of the SBF2 gene. This deletion is out-of-frame, and is expected to create a premature termination codon and result in an absent or disrupted protein product. Loss-of-function variants in SBF2 are known to be pathogenic (PMID: 12687498, 25873783). This variant has not been reported in the literature in individuals affected with SBF2-related conditions. For these reasons, this variant has been classified as Pathogenic.

Literature cited by the submitters: PubMed 12687498; PubMed 25873783.